The following is an entry in ClinVar:

ClinVar aggregate classification (germline): Pathogenic. Review status: criteria provided, multiple submitters, no conflicts (2 of 4 stars). 3 submissions from 3 submitters: Pathogenic (3). Last evaluated 2024-05-01.

Conditions:
Hearing loss, autosomal recessive. Also called: Rare autosomal recessive non-syndromic sensorineural deafness type DFNB; Deafness, autosomal recessive; Autosomal recessive nonsyndromic deafness; Nonsyndromic Hearing Loss, Recessive. Identifiers: Orphanet 90635, Orphanet 90636, MedGen C1846647, MONDO:0019588, OMIM 607197.
MYO15A-related disorder. Also called: MYO15A-related condition.

Submissions (3):

Laboratory of Human Genetics, Universidade de São Paulo
Classification: Pathogenic for Hearing loss, autosomal recessive. Last evaluated: 2024-05-01. Review status: criteria provided, single submitter. Criteria: ClinGen HL ACMG Specifications v1. Collection method: research. Allele origin: biparental. Affected: yes. Observed: 1 variant allele.
Comment: The MYO15A:NM_016239.3:(c.9229+1G>A) is a null variant in a gene where loss of function is a known mechanism of disease (PVS1), has extremely low frequency in gnomAD population databases (PM2), For recessive disorders, detected in trans with a pathogenic variant, or in a homozygous or compound heterozygous state in affected cases (PM3).

Labcorp Genetics (formerly Invitae), Labcorp
Classification: Pathogenic. Last evaluated: 2023-03-21. Review status: criteria provided, single submitter. Criteria: Invitae Variant Classification Sherloc (09022015). Collection method: clinical testing. Allele origin: germline.
Comment: Disruption of this splice site has been observed in individual(s) with deafness (PMID: 19309289, 27375115). It has also been observed to segregate with disease in related individuals. This sequence change affects a donor splice site in intron 54 of the MYO15A gene. It is expected to disrupt RNA splicing. Variants that disrupt the donor or acceptor splice site typically lead to a loss of protein function (PMID: 16199547), and loss-of-function variants in MYO15A are known to be pathogenic (PMID: 17546645). This variant is not present in population databases (gnomAD no frequency). Algorithms developed to predict the effect of sequence changes on RNA splicing suggest that this variant may disrupt the consensus splice site. For these reasons, this variant has been classified as Pathogenic.

Blueprint Genetics
Classification: Pathogenic for MYO15A-related disorders. Last evaluated: 2021-11-04. Review status: criteria provided, single submitter. Criteria: ACMG Guidelines, 2015. Collection method: clinical testing. Allele origin: germline. Affected: yes. Observed: 1 variant allele.

Literature cited by the submitters: PubMed 19309289 (cited by Labcorp Genetics (formerly Invitae), Labcorp); PubMed 27375115 (cited by Labcorp Genetics (formerly Invitae), Labcorp); PubMed 16199547 (cited by Labcorp Genetics (formerly Invitae), Labcorp); PubMed 17546645 (cited by Labcorp Genetics (formerly Invitae), Labcorp).

NM_016239.4(MYO15A):c.9229+1G>A

Gene: MYO15A (myosin XVA; plus strand). Cytogenetic location: 17p11.2.
Variant type: single nucleotide variant.
Coding change: c.9229+1G>A on transcript NM_016239.4 (MANE Select); the canonical splice donor site of the intron after coding-DNA position 9229, G replaced by A.
Molecular consequence: splice donor variant.
Genome position (GRCh38, 1-based): chr17:18,159,348, G>A. VCF-style: chr17-18159348-G-A. GRCh37 (hg19) VCF-style: chr17-18062662-G-A.
Other names: c.9229+1G>A (NM_016239.3).
Identifiers: ClinVar variation 2736478 (VCV002736478.5), dbSNP rs2545309831, ClinGen allele CA398634190.